The following is an entry in ClinVar:

ClinVar aggregate classification (germline): Conflicting classifications of pathogenicity. Review status: criteria provided, conflicting classifications (1 of 4 stars). 5 submissions from 5 submitters: Uncertain significance (4); Likely benign (1). Last evaluated 2024-09-03.

Conditions:
Intrinsic cardiomyopathy. Identifiers: MedGen CN305117, MONDO:0000591.
Cardiovascular phenotype. Identifiers: MedGen CN230736.
Dilated cardiomyopathy 1AA (CMD1AA). Also called: CARDIOMYOPATHY, DILATED, 1AA, WITH OR WITHOUT LEFT VENTRICULAR NONCOMPACTION; CARDIOMYOPATHY, FAMILIAL HYPERTROPHIC, 23, WITH OR WITHOUT LEFT VENTRICULAR NONCOMPACTION; Cardiomyopathy, dilated, 1AA, with or without LVNC. Identifiers: Orphanet 154, MedGen C2677338, MONDO:0012808, OMIM 612158.
Primary familial hypertrophic cardiomyopathy (HCM). Identifiers: Orphanet 99739, MedGen C0949658, MeSH D024741, MONDO:0024573. Inheritance: Various modes of inheritance.

Allele frequency attached by ClinVar (database versions not stated): gnomAD exomes below 0.00001 and 0.00001; gnomAD 0.00001; TOPMed 0.00001; ExAC 0.00002.
gnomAD v4.1: 9 of 1,614,196 alleles (0.00056%); highest among the groups gnomAD compares: South Asian, 0.0011%; no homozygotes.

Submissions (5):

Labcorp Genetics (formerly Invitae), Labcorp
Classification: Likely benign for Primary familial hypertrophic cardiomyopathy; Dilated cardiomyopathy 1AA. Last evaluated: 2024-09-03. Review status: criteria provided, single submitter. Criteria: Invitae Variant Classification Sherloc (09022015). Collection method: clinical testing. Allele origin: germline.

Ambry Genetics
Classification: Uncertain significance for Cardiovascular phenotype. Last evaluated: 2022-08-08. Review status: criteria provided, single submitter. Criteria: Ambry Variant Classification Scheme 2023. Collection method: clinical testing. Allele origin: germline.

Department of Pathology and Laboratory Medicine, Sinai Health System
Classification: Uncertain significance for intrinsic cardiomyopathy. Last evaluated: 2021-10-26. Review status: criteria provided, single submitter. Criteria: ACMG Guidelines, 2015. Collection method: research. Allele origin: germline.

GeneDx
Classification: Uncertain significance. Last evaluated: 2020-07-01. Review status: criteria provided, single submitter. Criteria: GeneDx Variant Classification Process June 2021. Collection method: clinical testing. Allele origin: germline. Affected: yes.
Comment: Not observed at a significant frequency in large population cohorts (Lek et al., 2016); In silico analysis supports that this missense variant has a deleterious effect on protein structure/function; Has not been previously published as pathogenic or benign to our knowledge

Blueprint Genetics
Classification: Uncertain significance. Last evaluated: 2020-05-13. Review status: criteria provided, single submitter. Criteria: ACMG Guidelines, 2015. Collection method: clinical testing. Allele origin: germline.

NM_001103.4(ACTN2):c.1337C>T (p.Ala446Val)

Gene: ACTN2 (actinin alpha 2; plus strand). Cytogenetic location: 1q43.
Variant type: single nucleotide variant.
Coding change: c.1337C>T on transcript NM_001103.4 (MANE Select); coding-DNA position 1337, C replaced by T.
Protein change: p.Ala446Val; replaces alanine 446 with valine.
Molecular consequence: missense variant.
Genome position (GRCh38, 1-based): chr1:236,744,707, C>T. VCF-style: chr1-236744707-C-T. GRCh37 (hg19) VCF-style: chr1-236908007-C-T.
Other names: c.1337C>T (NM_001103.2); c.1337C>T, p.Ala446Val (NM_001278343.2); c.713C>T, p.Ala238Val (NM_001278344.2); short protein forms A446V, A238V.
Identifiers: ClinVar variation 645022 (VCV000645022.14), dbSNP rs767041933, ClinGen allele CA1473125.